The following is an entry in ClinVar:

ClinVar aggregate classification (germline): Likely pathogenic (1 of 4 stars; one submission).

Conditions:
Hereditary factor VIII deficiency disease (HEMA). Also called: AUTOSOMAL HEMOPHILIA A; Hemophilia A, congenital; HEM A; Factor 8 deficiency, congenital; HEMOPHILIA, CLASSIC; Hemophilia A. Identifiers: Orphanet 98878, MedGen C0019069, MONDO:0010602, OMIM 306700.

Allele frequency attached by ClinVar (database versions not stated): TOPMed 0.00001.

Submission:

ARUP Laboratories, Molecular Genetics and Genomics, ARUP Laboratories
Classification: Likely pathogenic for Hereditary factor VIII deficiency disease. Last evaluated: 2020-04-08. Review status: criteria provided, single submitter. Criteria: ARUP Molecular Germline Variant Investigation Process. Collection method: clinical testing. Allele origin: germline.
Comment: The F8 c.992T>C; p.Ile331Thr variant is reported in the literature in several individuals affected with mild hemophilia A (Factor VIII database and references therein). This variant is absent from general population databases (Exome Variant Server, Genome Aggregation Database), indicating it is not a common polymorphism. The isoleucine at codon 331 is highly conserved, and other amino acid substitutions at this codon (p.Ile331Phe, p.Ile331Ser, p.Ile331Val) have been reported in individuals with hemophilia A and are considered disease-causing (Eckhardt 2013, Factor VIII database and references therein). Based on available information, the p.Ile331Thr variant is considered to be likely pathogenic. References: Factor VIII database: Eckhardt CL et al. Factor VIII gene (F8) mutation and risk of inhibitor development in nonsevere hemophilia A. Blood. 2013 Sep 12;122(11):1954-62.

NM_000132.4(F8):c.992T>C (p.Ile331Thr)

Gene: F8 (coagulation factor VIII; minus strand). Cytogenetic location: Xq28.
Variant type: single nucleotide variant.
Coding change: c.992T>C on transcript NM_000132.4 (MANE Select); coding-DNA position 992, T replaced by C.
Protein change: p.Ile331Thr; replaces isoleucine 331 with threonine.
Molecular consequence: missense variant.
Genome position (GRCh38, 1-based): chrX:154,969,348, A>G on the plus strand (T>C on the coding strand, the complement: F8 is on the minus strand). VCF-style: chrX-154969348-A-G. GRCh37 (hg19) VCF-style: chrX-154197623-A-G.
Other names: short protein forms I331T.
Identifiers: ClinVar variation 994134 (VCV000994134.8), dbSNP rs2073442480, ClinGen allele CA414917621.